The following is an entry in ClinVar:

ClinVar aggregate classification (germline): Uncertain significance. Review status: criteria provided, multiple submitters, no conflicts (2 of 4 stars). 6 submissions from 6 submitters: Uncertain significance (6). Last evaluated 2025-11-17.

Conditions:
Hereditary cancer-predisposing syndrome. Also called: Tumor predisposition; Hereditary neoplastic syndrome; Hereditary Cancer Syndrome; Neoplastic Syndromes, Hereditary. Identifiers: Orphanet 140162, MedGen C0027672, MeSH D009386, MONDO:0015356.
Gastrointestinal stromal tumor. Also called: Gastrointestinal stromal tumor, somatic; Gastrointestinal stroma tumor. Identifiers: Orphanet 44890, MedGen C0238198, MeSH D046152, MONDO:0011719, OMIM 606764, HP:0100723.

Allele frequency attached by ClinVar (database versions not stated): gnomAD exomes 0.00001; TOPMed 0.00002.
gnomAD v4.1: 14 of 1,613,306 alleles (0.00087%); highest among the groups gnomAD compares: Middle Eastern, 0.017%; no homozygotes.

Submissions (6):

Labcorp Genetics (formerly Invitae), Labcorp
Classification: Uncertain significance for Gastrointestinal stromal tumor. Last evaluated: 2025-11-17. Review status: criteria provided, single submitter. Criteria: Invitae Variant Classification Sherloc (09022015). Collection method: clinical testing. Allele origin: germline.
Comment: This sequence change replaces proline, which is neutral and non-polar, with leucine, which is neutral and non-polar, at codon 733 of the KIT protein (p.Pro733Leu). This variant is present in population databases (no rsID available, gnomAD 0.003%). This variant has not been reported in the literature in individuals affected with KIT-related conditions. ClinVar contains an entry for this variant (Variation ID: 409750). An algorithm developed to predict the effect of missense changes on protein structure and function (PolyPhen-2) suggests that this variant is likely to be disruptive. In summary, the available evidence is currently insufficient to determine the role of this variant in disease. Therefore, it has been classified as a Variant of Uncertain Significance.

Dasa
Classification: Uncertain significance. Last evaluated: 2025-07-07. Review status: criteria provided, single submitter. Criteria: DASA Assertion Criteria. Collection method: clinical testing. Allele origin: germline.
Comment: NM_000222.3(KIT):c.2198C>T (p.Pro733Leu) is a missense variant that results in the substitution of proline with leucine. This variant is rare in population databases. Computational prediction algorithms are consistent with a benign effect. The currently available literature and clinical evidence are not sufficient to establish a definitive association between this variant and the reported condition. Therefore, this variant is classified as a variant of uncertain significance.

Ambry Genetics
Classification: Uncertain significance for Hereditary cancer-predisposing syndrome. Last evaluated: 2024-12-14. Review status: criteria provided, single submitter. Criteria: Ambry Variant Classification Scheme 2023. Collection method: clinical testing. Allele origin: germline.
Comment: The p.P733L variant (also known as c.2198C>T), located in coding exon 15 of the KIT gene, results from a C to T substitution at nucleotide position 2198. The proline at codon 733 is replaced by leucine, an amino acid with similar properties. This amino acid position is conserved. In addition, the in silico prediction for this alteration is inconclusive. Based on the available evidence, the clinical significance of this variant remains unclear.

Baylor Genetics
Classification: Uncertain significance for Gastrointestinal stromal tumor. Last evaluated: 2023-07-12. Review status: criteria provided, single submitter. Criteria: ACMG Guidelines, 2015. Collection method: clinical testing. Allele origin: unknown.

Mayo Clinic Laboratories, Mayo Clinic
Classification: Uncertain significance. Last evaluated: 2022-01-04. Review status: criteria provided, single submitter. Criteria: ACMG Guidelines, 2015. Collection method: clinical testing. Allele origin: germline.

CeGaT Center for Human Genetics Tuebingen
Classification: Uncertain significance. Last evaluated: 2021-04-01. Review status: criteria provided, single submitter. Criteria: CeGaT Center For Human Genetics Tuebingen Variant Classification Criteria Version 2. Collection method: clinical testing. Allele origin: germline. Affected: yes. Observed: 1 variant allele.

NM_000222.3(KIT):c.2198C>T (p.Pro733Leu)

Gene: KIT (KIT proto-oncogene, receptor tyrosine kinase; plus strand). Cytogenetic location: 4q12.
Variant type: single nucleotide variant.
Coding change: c.2198C>T on transcript NM_000222.3 (MANE Select); coding-DNA position 2198, C replaced by T.
Protein change: p.Pro733Leu; replaces proline 733 with leucine.
Molecular consequence: missense variant.
Genome position (GRCh38, 1-based): chr4:54,731,384, C>T. VCF-style: chr4-54731384-C-T. GRCh37 (hg19) VCF-style: chr4-55597550-C-T.
Other names: p.Pro733Leu; c.2186C>T, p.Pro729Leu (NM_001093772.2, NM_001385292.1); c.2201C>T, p.Pro734Leu (NM_001385284.1); c.2195C>T, p.Pro732Leu (NM_001385285.1); c.2183C>T, p.Pro728Leu (NM_001385286.1); c.2189C>T, p.Pro730Leu (NM_001385288.1); c.2198C>T, p.Pro733Leu (NM_001385290.1); short protein forms P733L, P729L, P728L, P730L, P732L, P734L.
Identifiers: ClinVar variation 409750 (VCV000409750.52), dbSNP rs992027457, ClinGen allele CA16611677.